The following is an entry in ClinVar:

ClinVar aggregate classification (germline): Uncertain significance (1 of 4 stars; one submission).

Conditions:
Leber congenital amaurosis 6 (LCA6). Identifiers: Orphanet 65, MedGen C1854260, MONDO:0013446, OMIM 613826.
Cone-rod dystrophy 13 (CORD13). Identifiers: Orphanet 1872, MedGen C2750720, MONDO:0011987, OMIM 608194.

gnomAD v4.1: 4 of 1,612,480 alleles (0.00025%); highest among the groups gnomAD compares: South Asian, 0.0011%; no homozygotes.

Submission:

Labcorp Genetics (formerly Invitae), Labcorp
Classification: Uncertain significance for Leber congenital amaurosis 6; Cone-rod dystrophy 13. Last evaluated: 2021-07-28. Review status: criteria provided, single submitter. Criteria: Invitae Variant Classification Sherloc (09022015). Collection method: clinical testing. Allele origin: germline.
Comment: In summary, the available evidence is currently insufficient to determine the role of this variant in disease. Therefore, it has been classified as a Variant of Uncertain Significance. Algorithms developed to predict the effect of missense changes on protein structure and function are either unavailable or do not agree on the potential impact of this missense change (SIFT: "Tolerated"; PolyPhen-2: "Probably Damaging"; Align-GVGD: "Class C0"). This variant has not been reported in the literature in individuals affected with RPGRIP1-related conditions. This variant is not present in population databases (ExAC no frequency). This sequence change replaces histidine with proline at codon 1174 of the RPGRIP1 protein (p.His1174Pro). The histidine residue is moderately conserved and there is a moderate physicochemical difference between histidine and proline.

NM_020366.4(RPGRIP1):c.3521A>C (p.His1174Pro)

Gene: RPGRIP1 (RPGR interacting protein 1; plus strand). Cytogenetic location: 14q11.2.
Variant type: single nucleotide variant.
Coding change: c.3521A>C on transcript NM_020366.4 (MANE Select); coding-DNA position 3521, A replaced by C.
Protein change: p.His1174Pro; replaces histidine 1174 with proline.
Molecular consequence: missense variant.
Genome position (GRCh38, 1-based): chr14:21,343,217, A>C. VCF-style: chr14-21343217-A-C. GRCh37 (hg19) VCF-style: chr14-21811376-A-C.
Other names: c.1499A>C, p.His500Pro (NM_001377523.1, NM_001377950.1); c.2447A>C, p.His816Pro (NM_001377948.1); c.1607A>C, p.His536Pro (NM_001377949.1); c.1004A>C, p.His335Pro (NM_001377951.1); short protein forms H500P, H1174P, H536P, H335P, H816P.
Identifiers: ClinVar variation 1478733 (VCV001478733.6), dbSNP rs2139338042, ClinGen allele CA388857296.
Genomic context (GRCh38, chr14:21,343,217, plus strand): 5'-CGGAGACAGAGACTCCAGTGTCCCTAAGGAAGCCTAGGGCAGGAGAAGAAATCCACTTTC[A>C]CTTTAGCAAGGGTGAGGCATCCTGTGTGGTTACTGGGGTGAGGAAGTCTGATGAACATTG-3'
Protein context (NP_065099.3, residues 1164-1184): KPRAGEEIHF[His1174Pro]FSKVIDLDPQ